The following is an entry in ClinVar:

ClinVar aggregate classification (germline): Conflicting classifications of pathogenicity. Review status: criteria provided, conflicting classifications (1 of 4 stars). 2 submissions from 2 submitters: Uncertain significance (1); Likely benign (1). Last evaluated 2024-10-15.

Conditions:
Tuberous sclerosis 2 (TSC2). Identifiers: Orphanet 805, MedGen C1860707, MONDO:0013199, OMIM 613254.
Hereditary cancer-predisposing syndrome. Also called: Hereditary Cancer Syndrome; Hereditary neoplastic syndrome; Neoplastic Syndromes, Hereditary; Tumor predisposition. Identifiers: Orphanet 140162, MedGen C0027672, MeSH D009386, MONDO:0015356.

Submissions (2):

Ambry Genetics
Classification: Uncertain significance for Hereditary cancer-predisposing syndrome. Last evaluated: 2024-10-15. Review status: criteria provided, single submitter. Criteria: Ambry Variant Classification Scheme 2023. Collection method: clinical testing. Allele origin: germline.
Comment: The c.547T>C variant (also known as p.L183L), located in coding exon 5 of the TSC2 gene, results from a T to C substitution at nucleotide position 547. This nucleotide substitution does not change the leucine at codon 183. This nucleotide position is poorly conserved in available vertebrate species. In silico splice site analysis for this alteration is inconclusive. Based on the available evidence, the clinical significance of this variant remains unclear.

Labcorp Genetics (formerly Invitae), Labcorp
Classification: Likely benign for Tuberous sclerosis 2. Last evaluated: 2024-03-14. Review status: criteria provided, single submitter. Criteria: Invitae Variant Classification Sherloc (09022015). Collection method: clinical testing. Allele origin: germline.

NM_000548.5(TSC2):c.547T>C (p.Leu183=)

Gene: TSC2 (TSC complex subunit 2; plus strand). Cytogenetic location: 16p13.3.
Variant type: single nucleotide variant.
Coding change: c.547T>C on transcript NM_000548.5 (MANE Select); coding-DNA position 547, T replaced by C.
Protein change: p.Leu183=; no amino-acid change (leucine 183 retained).
Molecular consequence: synonymous variant. On other transcripts: 5 prime UTR variant (13), non-coding transcript variant (5), intron variant (6).
Genome position (GRCh38, 1-based): chr16:2,055,467, T>C. VCF-style: chr16-2055467-T-C. GRCh37 (hg19) VCF-style: chr16-2105468-T-C.
Other names: c.547T>C, p.Leu183= (NM_001077183.3, NM_001114382.3, NM_001363528.2 and 8 more transcripts); c.436T>C, p.Leu146= (NM_001318827.2, NM_001406670.1, NM_001406678.1); c.400T>C, p.Leu134= (NM_001318829.2, NM_001406679.1, NM_001406675.1 and 1 more transcripts); c.580T>C, p.Leu194= (NM_001318832.2); c.637T>C, p.Leu213= (NM_001406667.1, NM_001406668.1); c.-766T>C (NM_001406694.1, NM_001406695.1); c.-873T>C (NM_001406696.1); c.-885T>C (NM_001406697.1, NM_001406689.1, NM_001406690.1 and 2 more transcripts); and 6 more.
Identifiers: ClinVar variation 3462561 (VCV003462561.3).
Genomic context (GRCh38, chr16:2,055,467, plus strand): 5'-TTTGTCCTGCAGTGGATGGATGTTGGCTTGTCCTCGGAATTCCTTCTGGTGCTGGTGAAC[T>C]TGGTCAAATTCAATAGCTGTTACCTCGACGAGTACATCGCAAGGATGGTTCAGTAAGAAA-3'
Protein context (NP_000539.2, residues 173-193): SSEFLLVLVN[Leu183=]VKFNSCYLDE